The following is an entry in ClinVar:

NM_000179.3(MSH6):c.4071_4072insCA (p.Lys1358fs)

Gene: MSH6 (mutS homolog 6; plus strand). Cytogenetic location: 2p16.3.
Variant type: Insertion.
Coding change: c.4071_4072insCA on transcript NM_000179.3 (MANE Select); coding-DNA positions 4071 to 4072, CA inserted.
Protein change: p.Lys1358fs; shifts the reading frame from lysine 1358.
Molecular consequence: frameshift variant. On other transcripts: 3 prime UTR variant (5), non-coding transcript variant (5).
Genome position: GRCh38 VCF-style: chr2-47806848-T-TCA. GRCh37 (hg19) VCF-style: chr2-48033987-T-TCA.
Other names: c.3681_3682insCA, p.Lys1228fs (NM_001281492.2); c.3165_3166insCA, p.Lys1056fs (NM_001281493.2, NM_001281494.2, NM_001406811.1 and 6 more transcripts); c.4167_4168insCA, p.Lys1390fs (NM_001406795.1); c.4071_4072insCA, p.Lys1358fs (NM_001406796.1, NM_001406809.1); c.3774_3775insCA, p.Lys1259fs (NM_001406797.1, NM_001406805.1, NM_001406818.1 and 8 more transcripts); c.3897_3898insCA, p.Lys1300fs (NM_001406798.1); c.3546_3547insCA, p.Lys1183fs (NM_001406799.1, NM_001406806.1, NM_001406807.1); c.*92_*93insCA (NM_001406800.1); and 9 more; short protein forms K1056fs, K1070fs, K1183fs, K1228fs, K1259fs, K1300fs, K1302fs, K1332fs.
Identifiers: ClinVar variation 3387073 (VCV003387073.1).

ClinVar aggregate classification (germline): Uncertain significance (1 of 4 stars; one submission).

Conditions:
Lynch syndrome. Identifiers: Orphanet 144, MedGen C4552100, MONDO:0005835. Disease mechanism: loss of function.

Submission:

All of Us Research Program, National Institutes of Health
Classification: Uncertain significance for Lynch syndrome. Last evaluated: 2024-07-29. Review status: criteria provided, single submitter. Criteria: ACMG Guidelines, 2015. Collection method: clinical testing. Allele origin: germline. Inheritance: Autosomal dominant inheritance. Observed: 1 variant allele, 1 heterozygote.
Comment: This variant inserts 2 nucleotides in exon 10 of the MSH6 gene, creating a frameshift and a premature translation stop signal in the last coding exon. This mutant transcript is predicted to escape nonsense-mediated decay and results in a c-terminal extension of 10 additional amino acids. To our knowledge, this variant has not been reported in individuals affected with MSH6-related disorders in the literature. This variant has not been identified in the general population by the Genome Aggregation Database (gnomAD). While loss of MSH6 function is a known mechanism of disease, this truncating variant occurs in the last exon of the MSH6 gene with unknown functional consequence. The available evidence is insufficient to determine the role of this C-terminal truncation variant in disease conclusively. Therefore, this variant is classified as a Variant of Uncertain Significance.

This study involves interpretation of variants in research participants for the purpose of population health screening. Participant phenotype was not available at the time of variant classification. Additional details can be found in publication PMID: 35346344, PMCID: PMC8962531